The following is an entry in ClinVar:

NM_172362.3(KCNH1):c.2387C>A (p.Thr796Lys)

Gene: KCNH1 (potassium voltage-gated channel subfamily H member 1; minus strand). Cytogenetic location: 1q32.2.
Variant type: single nucleotide variant.
Coding change: c.2387C>A on transcript NM_172362.3 (MANE Select); coding-DNA position 2387, C replaced by A.
Protein change: p.Thr796Lys; replaces threonine 796 with lysine.
Molecular consequence: missense variant.
Genome position (GRCh38, 1-based): chr1:210,683,864, G>T on the plus strand (C>A on the coding strand, the complement: KCNH1 is on the minus strand). VCF-style: chr1-210683864-G-T. GRCh37 (hg19) VCF-style: chr1-210857206-G-T.
Other names: c.2306C>A, p.Thr769Lys (NM_002238.4); short protein forms T769K, T796K.
Identifiers: ClinVar variation 2024593 (VCV002024593.6), dbSNP rs770040641, ClinGen allele CA37111561.

ClinVar aggregate classification (germline): Uncertain significance. Review status: criteria provided, multiple submitters, no conflicts (2 of 4 stars). 2 submissions from 2 submitters: Uncertain significance (2). Last evaluated 2026-02-12.

Conditions:
KCNH1 associated disorder. Identifiers: MedGen CN311519, MONDO:0100485.

Allele frequency attached by ClinVar (database versions not stated): TOPMed 0.00001.
gnomAD v4.1: 9 of 1,614,044 alleles (0.00056%); highest among the groups gnomAD compares: African/African-American, 0.0027%; no homozygotes.

Submissions (2):

Dasa
Classification: Uncertain significance for KCNH1 associated disorder. Last evaluated: 2026-02-12. Review status: criteria provided, single submitter. Criteria: DASA Assertion Criteria. Collection method: clinical testing. Allele origin: germline.
Comment: NM_172362.3(KCNH1):c.2387C>A (p.Thr796Lys) is a missense variant that results in the substitution of threonine with lysine. This variant is rare in population databases. Computational prediction algorithms are consistent with a deleterious effect. The currently available literature and clinical evidence are not sufficient to establish a definitive association between this variant and the reported condition. Therefore, this variant is classified as a variant of uncertain significance.

Labcorp Genetics (formerly Invitae), Labcorp
Classification: Uncertain significance. Last evaluated: 2025-05-05. Review status: criteria provided, single submitter. Criteria: Invitae Variant Classification Sherloc (09022015). Collection method: clinical testing. Allele origin: germline.
Comment: This sequence change replaces threonine, which is neutral and polar, with lysine, which is basic and polar, at codon 796 of the KCNH1 protein (p.Thr796Lys). This variant is present in population databases (no rsID available, gnomAD 0.004%). This variant has not been reported in the literature in individuals affected with KCNH1-related conditions. ClinVar contains an entry for this variant (Variation ID: 2024593). Invitae Evidence Modeling of protein sequence and biophysical properties (such as structural, functional, and spatial information, amino acid conservation, physicochemical variation, residue mobility, and thermodynamic stability) has been performed for this missense variant. However, the output from this modeling did not meet the statistical confidence thresholds required to predict the impact of this variant on KCNH1 protein function. In summary, the available evidence is currently insufficient to determine the role of this variant in disease. Therefore, it has been classified as a Variant of Uncertain Significance.